The following is an entry in ClinVar:

NM_001374353.1(GLI2):c.676C>T (p.Arg226Cys)

Gene: GLI2 (GLI family zinc finger 2; plus strand). Cytogenetic location: 2q14.2.
Variant type: single nucleotide variant.
Coding change: c.676C>T on transcript NM_001374353.1 (MANE Select); coding-DNA position 676, C replaced by T.
Protein change: p.Arg226Cys; replaces arginine 226 with cysteine.
Molecular consequence: missense variant.
Genome position (GRCh38, 1-based): chr2:120,968,746, C>T. VCF-style: chr2-120968746-C-T. GRCh37 (hg19) VCF-style: chr2-121726322-C-T.
Other names: c.676C>T, p.Arg226Cys (NM_001371271.1, NM_005270.5); c.301C>T, p.Arg101Cys (NM_001374354.1); short protein forms R101C, R226C.
Identifiers: ClinVar variation 1326547 (VCV001326547.2), dbSNP rs758273853, ClinGen allele CA1851631.

ClinVar aggregate classification (germline): Uncertain significance (1 of 4 stars; one submission).

Allele frequency attached by ClinVar (database versions not stated): ExAC 0.00002; gnomAD exomes 0.00002 and 0.00004; TOPMed 0.00003; gnomAD 0.00005 and 0.00006.

Submission:

GeneDx
Classification: Uncertain significance. Last evaluated: 2021-04-15. Review status: criteria provided, single submitter. Criteria: GeneDx Variant Classification Process June 2021. Collection method: clinical testing. Allele origin: germline. Affected: yes.
Comment: Has not been previously published as pathogenic or benign to our knowledge; In silico analysis supports that this missense variant has a deleterious effect on protein structure/function